The following is an entry in ClinVar:

NM_005184.4(CALM3):c.178+18C>T

Gene: CALM3 (calmodulin 3; plus strand). Cytogenetic location: 19q13.32.
Variant type: single nucleotide variant.
Coding change: c.178+18C>T on transcript NM_005184.4 (MANE Select); 18 bases into the intron after coding-DNA position 178, C replaced by T.
Molecular consequence: intron variant.
Genome position (GRCh38, 1-based): chr19:46,608,358, C>T. VCF-style: chr19-46608358-C-T. GRCh37 (hg19) VCF-style: chr19-47111615-C-T.
Other names: c.70+18C>T (NM_001329921.1, NM_001329924.2, NM_001329926.2 and 2 more transcripts); c.178+18C>T (NM_001329922.1).
Identifiers: ClinVar variation 509263 (VCV000509263.11), dbSNP rs180722019, ClinGen allele CA9529761.

ClinVar aggregate classification (germline): Benign/Likely benign. Review status: criteria provided, multiple submitters, no conflicts (2 of 4 stars). 4 submissions from 4 submitters: Benign (1); Likely benign (3). Last evaluated 2026-01-29.

Conditions:
Long QT syndrome 1 (LQT1). Identifiers: Orphanet 101016, Orphanet 768, MedGen C4551647, MONDO:0100316, OMIM 192500, MONDO:0008646.

Allele frequency attached by ClinVar (database versions not stated): gnomAD exomes 0.00028; ExAC 0.00033; gnomAD 0.00108 and 0.00115; ESP Exome Variant Server 0.00123; TOPMed 0.00127; 1000 Genomes Project 0.00140; 1000 Genomes Project 30x 0.00141.
gnomAD v4.1: 377 of 1,613,410 alleles (0.023%); highest among the groups gnomAD compares: African/African-American, 0.41%; 1 homozygote.

Submissions (4):

Labcorp Genetics (formerly Invitae), Labcorp
Classification: Benign for Long QT syndrome 1. Last evaluated: 2026-01-29. Review status: criteria provided, single submitter. Criteria: Invitae Variant Classification Sherloc (09022015). Collection method: clinical testing. Allele origin: germline.

Blueprint Genetics
Classification: Likely benign. Last evaluated: 2024-10-22. Review status: criteria provided, single submitter. Criteria: ACMG Guidelines, 2015. Collection method: clinical testing. Allele origin: germline.

ARUP Laboratories, Molecular Genetics and Genomics, ARUP Laboratories
Classification: Likely benign. Last evaluated: 2024-05-14. Review status: criteria provided, single submitter. Criteria: ARUP Molecular Germline Variant Investigation Process 2024. Collection method: clinical testing. Allele origin: germline.

GeneDx
Classification: Likely benign. Last evaluated: 2017-12-20. Review status: criteria provided, single submitter. Criteria: GeneDx Variant Classification (06012015). Collection method: clinical testing. Allele origin: germline. Affected: yes.
Comment: This variant is considered likely benign or benign based on one or more of the following criteria: it is a conservative change, it occurs at a poorly conserved position in the protein, it is predicted to be benign by multiple in silico algorithms, and/or has population frequency not consistent with disease.